The following is an entry in ClinVar:

NM_001110556.2(FLNA):c.373+10G>A

Gene: FLNA (filamin A; minus strand). Cytogenetic location: Xq28.
Variant type: single nucleotide variant.
Coding change: c.373+10G>A on transcript NM_001110556.2 (MANE Select); 10 bases into the intron after coding-DNA position 373, G replaced by A.
Molecular consequence: intron variant.
Genome position (GRCh38, 1-based): chrX:154,370,863, C>T on the plus strand (G>A on the coding strand, the complement: FLNA is on the minus strand). VCF-style: chrX-154370863-C-T. GRCh37 (hg19) VCF-style: chrX-153599231-C-T.
Other names: c.373+10G>A (NM_001110556.1, NM_001456.4).
Identifiers: ClinVar variation 513979 (VCV000513979.16), dbSNP rs368292402, ClinGen allele CA10561444.
Genomic context (GRCh38, chrX:154,370,863, plus strand): 5'-CGCCCGGGGAGATGGAAGGACGCACGGAGTCCCCGCCCCCGCCCGCCCGGCGCTTCGGGG[C>T]GTCCCTCACCGATGGACACCAGTTTGATGCTCTCGCGGTCCAGGAACTCGAGCGCCACCG-3'

ClinVar aggregate classification (germline): Likely benign. Review status: criteria provided, multiple submitters, no conflicts (2 of 4 stars). 5 submissions from 5 submitters: Likely benign (4). 1 of the submissions does not count toward it. Last evaluated 2026-02-03.

Conditions:
Heterotopia, periventricular, X-linked dominant (PVNH1). Also called: PERIVENTRICULAR NODULAR HETEROTOPIA 4; HETEROTOPIA, PERIVENTRICULAR, 1; X-linked periventricular heterotopia; PERIVENTRICULAR NODULAR HETEROTOPIA 1. Identifiers: Orphanet 2149, Orphanet 82004, MedGen C1848213, MONDO:0010233, OMIM 300049.
Frontometaphyseal dysplasia (FMD1). Identifiers: Orphanet 1826, MedGen C0265293, MONDO:0015942.
Melnick-Needles syndrome (MNS). Also called: Melnick-Needles Syndrome (FLNA-MNS); MELNICK-NEEDLES OSTEODYSPLASTY; OSTEODYSPLASTY OF MELNICK AND NEEDLES. Identifiers: Orphanet 2484, MedGen C0025237, MONDO:0010650, OMIM 309350.
Oto-palato-digital syndrome, type II (OPD2). Also called: Otopalatodigital Syndrome, Type II; Otopalatodigital Syndrome Type 2 (FLNA-OPD2); FACIOPALATOOSSEOUS SYNDROME; OPD II SYNDROME. Identifiers: Orphanet 669, Orphanet 90652, MedGen C1844696, MONDO:0010571, OMIM 304120.
FLNA-related disorder.

Allele frequency attached by ClinVar (database versions not stated): TOPMed 0.00006; 1000 Genomes Project 30x 0.00021.
gnomAD v4.1: 188 of 1,206,502 alleles (0.016%); highest among the groups gnomAD compares: Non-Finnish European, 0.021%; no homozygotes.

Submissions (5):

Labcorp Genetics (formerly Invitae), Labcorp
Classification: Likely benign for Oto-palato-digital syndrome, type II; Heterotopia, periventricular, X-linked dominant; Frontometaphyseal dysplasia; Melnick-Needles syndrome. Last evaluated: 2026-02-03. Review status: criteria provided, single submitter. Criteria: Invitae Variant Classification Sherloc (09022015). Collection method: clinical testing. Allele origin: germline.

Women's Health and Genetics/Laboratory Corporation of America, LabCorp
Classification: Likely benign. Last evaluated: 2025-11-17. Review status: criteria provided, single submitter. Criteria: LabCorp Variant Classification Summary - May 2015. Collection method: clinical testing. Allele origin: germline.

Blueprint Genetics
Classification: Likely benign. Last evaluated: 2024-05-06. Review status: criteria provided, single submitter. Criteria: ACMG Guidelines, 2015. Collection method: clinical testing. Allele origin: germline.

GeneDx
Classification: Likely benign. Last evaluated: 2017-12-13. Review status: criteria provided, single submitter. Criteria: GeneDx Variant Classification (06012015). Collection method: clinical testing. Allele origin: germline. Affected: yes.
Comment: This variant is considered likely benign or benign based on one or more of the following criteria: it is a conservative change, it occurs at a poorly conserved position in the protein, it is predicted to be benign by multiple in silico algorithms, and/or has population frequency not consistent with disease.

PreventionGenetics, part of Exact Sciences
Classification: Likely benign for FLNA-related condition. Last evaluated: 2021-01-14. Review status: no assertion criteria provided. Collection method: clinical testing. Allele origin: germline. Not counted in ClinVar's aggregate classification.
Comment: This variant is classified as likely benign based on ACMG/AMP sequence variant interpretation guidelines (Richards et al. 2015 PMID: 25741868, with internal and published modifications).